The following is an entry in ClinVar:

NM_172107.4(KCNQ2):c.2020G>C (p.Glu674Gln)

Gene: KCNQ2 (potassium voltage-gated channel subfamily Q member 2; minus strand). Cytogenetic location: 20q13.33.
Variant type: single nucleotide variant.
Coding change: c.2020G>C on transcript NM_172107.4 (MANE Select); coding-DNA position 2020, G replaced by C.
Protein change: p.Glu674Gln; replaces glutamic acid 674 with glutamine.
Molecular consequence: missense variant.
Genome position (GRCh38, 1-based): chr20:63,407,243, C>G on the plus strand (G>C on the coding strand, the complement: KCNQ2 is on the minus strand). VCF-style: chr20-63407243-C-G. GRCh37 (hg19) VCF-style: chr20-62038596-C-G.
Other names: c.2074G>C, p.Glu692Gln (NM_001382235.1); c.1936G>C, p.Glu646Gln (NM_004518.6); c.1966G>C, p.Glu656Gln (NM_172106.3); c.1927G>C, p.Glu643Gln (NM_172108.5); short protein forms E643Q, E674Q, E656Q, E646Q, E692Q.
Identifiers: ClinVar variation 2835258 (VCV002835258.3), dbSNP rs2516103218, ClinGen allele CA409639168.

ClinVar aggregate classification (germline): Uncertain significance (1 of 4 stars; one submission).

Conditions:
Early-infantile DEE. Also called: Early infantile epileptic encephalopathy; Early infantile epileptic encephalopathy with suppression bursts; Ohtahara syndrome. Identifiers: Orphanet 1934, MedGen C0393706, MONDO:0800491.

Submission:

Labcorp Genetics (formerly Invitae), Labcorp
Classification: Uncertain significance for Early-infantile DEE. Last evaluated: 2024-10-18. Review status: criteria provided, single submitter. Criteria: Invitae Variant Classification Sherloc (09022015). Collection method: clinical testing. Allele origin: germline.
Comment: This sequence change replaces glutamic acid, which is acidic and polar, with glutamine, which is neutral and polar, at codon 674 of the KCNQ2 protein (p.Glu674Gln). This variant is not present in population databases (gnomAD no frequency). This variant has not been reported in the literature in individuals affected with KCNQ2-related conditions. Invitae Evidence Modeling of protein sequence and biophysical properties (such as structural, functional, and spatial information, amino acid conservation, physicochemical variation, residue mobility, and thermodynamic stability) has been performed for this missense variant. However, the output from this modeling did not meet the statistical confidence thresholds required to predict the impact of this variant on KCNQ2 protein function. In summary, the available evidence is currently insufficient to determine the role of this variant in disease. Therefore, it has been classified as a Variant of Uncertain Significance.